The following is an entry in ClinVar:

ClinVar aggregate classification (germline): Pathogenic/Likely pathogenic. Review status: criteria provided, multiple submitters, no conflicts (2 of 4 stars). 6 submissions from 6 submitters: Pathogenic (5); Likely pathogenic (1). Last evaluated 2026-06-12.

Conditions:
Hereditary nonpolyposis colon cancer (HNPCC). Also called: Hereditary nonpolyposis colorectal cancer; Familial nonpolyposis colon cancer; Hereditary Nonpolyposis Colorectal Cancer Syndrome. Identifiers: Orphanet 443909, MedGen C1333990, MONDO:0018630. Disease mechanism: loss of function.
Hereditary cancer-predisposing syndrome. Also called: Tumor predisposition; Hereditary neoplastic syndrome; Neoplastic Syndromes, Hereditary; Hereditary Cancer Syndrome. Identifiers: Orphanet 140162, MedGen C0027672, MeSH D009386, MONDO:0015356.
Hereditary nonpolyposis colorectal neoplasms. Identifiers: MedGen C0009405, MeSH D003123.
Lynch syndrome 4 (LYNCH4). Also called: Colorectal cancer, hereditary nonpolyposis, type 4; Hereditary non-polyposis colorectal cancer, type 4. Identifiers: Orphanet 144, MedGen C1838333, MONDO:0013699, OMIM 614337. Disease mechanism: loss of function.

Allele frequency attached by ClinVar (database versions not stated): gnomAD exomes below 0.00001.

Submissions (6):

Women's Health and Genetics/Laboratory Corporation of America, LabCorp
Classification: Likely pathogenic for Hereditary nonpolyposis colon cancer. Last evaluated: 2026-06-12. Review status: criteria provided, single submitter. Criteria: LabCorp Variant Classification Summary - May 2015. Collection method: clinical testing. Allele origin: germline.
Comment: Variant summary: PMS2 c.3G>A (p.Met1Ile) alters the initiation codon and is predicted to result either in absence of the protein or truncation of the encoded protein due to translation initiation at a downstream codon. The next downstream start codon is Met136. Other variants affecting the initation codon have been classified as pathogenic/likely pathogenic by our lab, suggesting the canonical initiation codon is essential for protein function. The variant was absent in 250260 control chromosomes. c.3G>A has been observed in an individual affected with colon cancer who had a positive family history of cancer (e.g. Marabelli_2020). To our knowledge, no experimental evidence demonstrating an impact on protein function has been reported. The following publications have been ascertained in the context of this evaluation (PMID: 32620519, 41100774). ClinVar contains an entry for this variant (Variation ID: 450786). Based on the evidence outlined above, the variant was classified as likely pathogenic.

Labcorp Genetics (formerly Invitae), Labcorp
Classification: Pathogenic for Hereditary nonpolyposis colorectal neoplasms. Last evaluated: 2025-11-23. Review status: criteria provided, single submitter. Criteria: Invitae Variant Classification Sherloc (09022015). Collection method: clinical testing. Allele origin: germline.
Comment: This sequence change affects the initiator codon of the PMS2 mRNA. This change may impact translation initiation or efficiency. The next in-frame methionine is located at codon 136. This variant is not present in population databases (gnomAD no frequency). Disruption of the initiator codon has been observed in individual(s) with clinical features of Lynch syndrome and/or constitutional mismatch repair deficiency syndrome (PMID: 18602922, 20487569, 23709753, 27476653). In at least one individual the data is consistent with being in trans (on the opposite chromosome) from a pathogenic variant. ClinVar contains an entry for this variant (Variation ID: 450786). For these reasons, this variant has been classified as Pathogenic.

Myriad Genetics, Inc.
Classification: Pathogenic for Lynch syndrome 4. Last evaluated: 2023-09-15. Review status: criteria provided, single submitter. Criteria: Myriad Autosomal Dominant, Autosomal Recessive and X-Linked Classification Criteria (2023). Collection method: clinical testing. Allele origin: unknown.
Comment: This variant is considered pathogenic. This variant is located within the gene translation start codon (p.Met1?) and is predicted to result in abnormal protein translation. This variant has been reported in multiple individuals with clinical features of gene-specific disease [PMID: 30680046, 27476653, 18602922].

Color Diagnostics, LLC DBA Color Health
Classification: Pathogenic for Hereditary cancer-predisposing syndrome. Last evaluated: 2023-06-27. Review status: criteria provided, single submitter. Criteria: ACMG Guidelines, 2015. Collection method: clinical testing. Allele origin: germline.
Comment: This variant results in the loss of the translation start codon (methionine at codon 1) of the PMS2 gene. This variant is expected to disrupt the expression of the full-length PMS2 protein. The next in-frame methionine occurs at codon 136, and it is not known if a functional PMS2 protein product can be produced using p.Met136 as an alternative translation start site. To our knowledge, functional studies have not been reported for this variant. This nucleotide change has not been reported in the literature, however, other variants resulting in a start loss at codon 1 have been observed in individuals affected with Lynch syndrome-associated disease (ClinVar ID: 91323, 142777, 182809). This variant has not been identified in the general population by the Genome Aggregation Database (gnomAD). Based on the available evidence, this variant is classified as Pathogenic.

Ambry Genetics
Classification: Pathogenic for Hereditary cancer-predisposing syndrome. Last evaluated: 2022-06-03. Review status: criteria provided, single submitter. Criteria: Ambry Variant Classification Scheme 2023. Collection method: clinical testing. Allele origin: germline.
Comment: The p.M1? pathogenic mutation (also known as c.3G>A), located in coding exon 1 of the PMS2 gene and results from a G to A substitution at nucleotide position 3. This alters the methionine residue at the initiation codon (ATG). Sequence variations that modify the initiation codon are expected to result in either loss of translation initiation, N-terminal truncation, or cause a shift in the mRNA reading frame. Based on the supporting evidence, this alteration is interpreted as a disease-causing mutation.

GeneDx
Classification: Pathogenic. Last evaluated: 2020-11-13. Review status: criteria provided, single submitter. Criteria: GeneDx Variant Classification Process June 2021. Collection method: clinical testing. Allele origin: germline. Affected: yes.
Comment: Initiation codon variant in a gene for which loss-of-function is a known mechanism of disease; Not observed in large population cohorts (Lek et al., 2016); This variant is associated with the following publications: (PMID: 29485237, 28514183, 28466842, 27742654)

Literature cited by the submitters: PubMed 32620519 (cited by Women's Health and Genetics/Laboratory Corporation of America, LabCorp); PubMed 41100774 (cited by Women's Health and Genetics/Laboratory Corporation of America, LabCorp); PubMed 18602922 (cited by Labcorp Genetics (formerly Invitae), Labcorp and Myriad Genetics, Inc.); PubMed 20487569 (cited by Labcorp Genetics (formerly Invitae), Labcorp); PubMed 23709753 (cited by Labcorp Genetics (formerly Invitae), Labcorp); PubMed 27476653 (cited by Labcorp Genetics (formerly Invitae), Labcorp and Myriad Genetics, Inc.); PubMed 30680046 (cited by Myriad Genetics, Inc.); PubMed 27742654 (cited by Ambry Genetics).

NM_000535.7(PMS2):c.3G>A (p.Met1Ile)

Gene: PMS2 (PMS1 homolog 2, mismatch repair system component; minus strand). Cytogenetic location: 7p22.1.
Variant type: single nucleotide variant.
Coding change: c.3G>A on transcript NM_000535.7 (MANE Select); coding-DNA position 3, G replaced by A.
Protein change: p.Met1Ile; changes the start codon (methionine 1).
Molecular consequence: missense variant, initiator codon variant. On other transcripts: 5 prime UTR variant (11), non-coding transcript variant (1).
Genome position (GRCh38, 1-based): chr7:6,009,017, C>T on the plus strand (G>A on the coding strand, the complement: PMS2 is on the minus strand). VCF-style: chr7-6009017-C-T. GRCh37 (hg19) VCF-style: chr7-6048648-C-T.
Other names: c.-398G>A (NM_001322003.2, NM_001322013.2); c.-263G>A (NM_001322004.2, NM_001322010.2); c.-593G>A (NM_001322005.2); c.3G>A, p.Met1Ile (NM_001322006.2, NM_001322014.2); c.-213G>A (NM_001322007.2); c.-73G>A (NM_001322008.2); c.-588G>A (NM_001322009.2); c.-882G>A (NM_001322011.2); and 2 more; short protein forms M1I.
Identifiers: ClinVar variation 450786 (VCV000450786.21), dbSNP rs1554309086, ClinGen allele CA366745251.